The following is an entry in ClinVar:

NM_000548.5(TSC2):c.1024A>C (p.Ile342Leu)

Gene: TSC2 (TSC complex subunit 2; plus strand). Cytogenetic location: 16p13.3.
Variant type: single nucleotide variant.
Coding change: c.1024A>C on transcript NM_000548.5 (MANE Select); coding-DNA position 1024, A replaced by C.
Protein change: p.Ile342Leu; replaces isoleucine 342 with leucine.
Molecular consequence: missense variant. On other transcripts: 5 prime UTR variant (10), non-coding transcript variant (5).
Genome position (GRCh38, 1-based): chr16:2,060,718, A>C. VCF-style: chr16-2060718-A-C. GRCh37 (hg19) VCF-style: chr16-2110719-A-C.
Other names: c.1024A>C, p.Ile342Leu (NM_001077183.3, NM_001114382.3, NM_001363528.2 and 6 more transcripts); c.913A>C, p.Ile305Leu (NM_001318827.2, NM_001406670.1, NM_001406678.1); c.877A>C, p.Ile293Leu (NM_001318829.2, NM_001406675.1, NM_001406676.1 and 1 more transcripts); c.424A>C, p.Ile142Leu (NM_001318831.2, NM_001406680.1, NM_001406682.1 and 6 more transcripts); c.1057A>C, p.Ile353Leu (NM_001318832.2); c.1114A>C, p.Ile372Leu (NM_001406667.1, NM_001406668.1); c.1012A>C, p.Ile338Leu (NM_001406671.1, NM_001406673.1); c.967A>C, p.Ile323Leu (NM_001406677.1); and 4 more; short protein forms I142L, I188L, I293L, I305L, I323L, I338L, I342L, I353L.
Identifiers: ClinVar variation 2679336 (VCV002679336.2), dbSNP rs1060500913, ClinGen allele CA394317591.
Genomic context (GRCh38, chr16:2,060,718, plus strand): 5'-CTCGTGTTCCAGGCCATGGCATGTCCGAACGAGGTGGTGTCCTATGAGATCGTCCTGTCC[A>C]TCACCAGGCTCATCAAGAAGTATAGGAAGGAGCTCCAGGTGGTGGCGTGGGACATTCTGC-3'
Protein context (NP_000539.2, residues 332-352): EVVSYEIVLS[Ile342Leu]TRLIKKYRKE

ClinVar aggregate classification (germline): Uncertain significance. Review status: criteria provided, multiple submitters, no conflicts (2 of 4 stars). 2 submissions from 2 submitters: Uncertain significance (2). Last evaluated 2024-06-18.

Conditions:
Isolated focal cortical dysplasia type II (FCORD2). Also called: Focal cortical dysplasia type II; CORTICAL DYSPLASIA OF TAYLOR. Identifiers: Orphanet 268994, MedGen C1846385, MONDO:0011818, OMIM 607341, HP:0032051.
Hereditary cancer-predisposing syndrome. Also called: Neoplastic Syndromes, Hereditary; Hereditary neoplastic syndrome; Tumor predisposition; Hereditary Cancer Syndrome. Identifiers: Orphanet 140162, MedGen C0027672, MeSH D009386, MONDO:0015356.

Submissions (2):

Ambry Genetics
Classification: Uncertain significance for Hereditary cancer-predisposing syndrome. Last evaluated: 2024-06-18. Review status: criteria provided, single submitter. Criteria: Ambry Variant Classification Scheme 2023. Collection method: clinical testing. Allele origin: germline.
Comment: The p.I342L variant (also known as c.1024A>C), located in coding exon 10 of the TSC2 gene, results from an A to C substitution at nucleotide position 1024. The isoleucine at codon 342 is replaced by leucine, an amino acid with highly similar properties. This amino acid position is well conserved in available vertebrate species. In addition, this alteration is predicted to be tolerated by in silico analysis. Based on the available evidence, the clinical significance of this variant remains unclear.

Baylor Genetics
Classification: Uncertain significance for Isolated focal cortical dysplasia type II. Last evaluated: 2023-08-03. Review status: criteria provided, single submitter. Criteria: ACMG Guidelines, 2015. Collection method: clinical testing. Allele origin: unknown.